The following is an entry in ClinVar:

ClinVar aggregate classification (germline): Pathogenic (1 of 4 stars; one submission).

Conditions:
Multiple sulfatase deficiency (MSD). Also called: Multiple Sulfatase Deficiency Disease; Sulfatidosis, Juvenile, Austin Type; Mucosulfatidosis. Identifiers: Orphanet 585, MedGen C0268263, MONDO:0010088, OMIM 272200.

Submission:

Labcorp Genetics (formerly Invitae), Labcorp
Classification: Pathogenic for Multiple sulfatase deficiency. Last evaluated: 2022-02-24. Review status: criteria provided, single submitter. Criteria: Invitae Variant Classification Sherloc (09022015). Collection method: clinical testing. Allele origin: germline.
Comment: For these reasons, this variant has been classified as Pathogenic. Variants that disrupt the consensus splice site are a relatively common cause of aberrant splicing (PMID: 17576681, 9536098). Studies have shown that this variant is associated with altered splicing resulting in inclusion of 89 base pairs from intron 7 (PMID: 16125993). This variant is also known as IVS7 + 5G>T. This variant has been observed in individual(s) with multiple sulfatase deficiency (PMID: 16125993). This variant is not present in population databases (gnomAD no frequency). This sequence change falls in intron 7 of the SUMF1 gene. It does not directly change the encoded amino acid sequence of the SUMF1 protein. It affects a nucleotide within the consensus splice site.

Literature cited by the submitters: PubMed 17576681; PubMed 9536098; PubMed 16125993.

NM_182760.4(SUMF1):c.954+5G>T

Gene: SUMF1 (sulfatase modifying factor 1; minus strand). Cytogenetic location: 3p26.1.
Variant type: single nucleotide variant.
Coding change: c.954+5G>T on transcript NM_182760.4 (MANE Select); 5 bases into the intron after coding-DNA position 954, G replaced by T.
Molecular consequence: intron variant.
Genome position (GRCh38, 1-based): chr3:4,410,860, C>A on the plus strand (G>T on the coding strand, the complement: SUMF1 is on the minus strand). VCF-style: chr3-4410860-C-A. GRCh37 (hg19) VCF-style: chr3-4452544-C-A.
Other names: c.879+5G>T (NM_001164674.2); c.954+5G>T (NM_001164675.2).
Identifiers: ClinVar variation 2203301 (VCV002203301.4), dbSNP rs2469825284, ClinGen allele CA2580069145.